The following is an entry in ClinVar:

ClinVar aggregate classification (germline): Uncertain significance (1 of 4 stars; one submission).

Conditions:
Muscular dystrophy-dystroglycanopathy (congenital with brain and eye anomalies), type A14. Also called: WALKER-WARBURG SYNDROME OR MUSCLE-EYE-BRAIN DISEASE, GMPPB-RELATED; Congenital Muscular Dystrophy-Dystroglycanopathy with Brain and Eye Anomalies Type A 14; Congenital muscular dystrophy-dystroglycanopathy with brain and eye anomalies, type A14; Muscular dystrophy-dystroglycanopathy (congenital with brain and eye anomalies), type a, 14. Identifiers: Orphanet 588, MedGen C3809216, MONDO:0014140, OMIM 615350.
Muscular dystrophy-dystroglycanopathy (congenital with impaired intellectual development), type B, 14. Also called: Muscular dystrophy-dystroglycanopathy (congenital with intellectual disability), type B14; MUSCULAR DYSTROPHY, CONGENITAL, GMPPB-RELATED; Congenital muscular dystrophy-dystroglycanopathy with mental retardation, type B14. Identifiers: MedGen C3809221, MONDO:0014141, OMIM 615351.
Autosomal recessive limb-girdle muscular dystrophy type 2T. Also called: MUSCULAR DYSTROPHY-DYSTROGLYCANOPATHY, LIMB-GIRDLE, GMPPB-RELATED; Limb-girdle muscular dystrophy-dystroglycanopathy, type C14; MUSCULAR DYSTROPHY, LIMB-GIRDLE, TYPE 2T; Muscular dystrophy-dystroglycanopathy (limb-girdle), type c, 14. Identifiers: Orphanet 363623, MedGen C4518000, MONDO:0014142, OMIM 615352.

Allele frequency attached by ClinVar (database versions not stated): gnomAD exomes below 0.00001.
gnomAD v4.1: 1 of 1,614,086 alleles (0.000062%); highest among the groups gnomAD compares: Non-Finnish European, 0.000085%; no homozygotes.

Submission:

Labcorp Genetics (formerly Invitae), Labcorp
Classification: Uncertain significance for Autosomal recessive limb-girdle muscular dystrophy type 2T; Muscular dystrophy-dystroglycanopathy (congenital with brain and eye anomalies), type A14; Muscular dystrophy-dystroglycanopathy (congenital with impaired intellectual development), type B, 14. Last evaluated: 2021-08-26. Review status: criteria provided, single submitter. Criteria: Invitae Variant Classification Sherloc (09022015). Collection method: clinical testing. Allele origin: germline.
Comment: This sequence change replaces lysine with asparagine at codon 170 of the GMPPB protein (p.Lys170Asn). The lysine residue is highly conserved and there is a moderate physicochemical difference between lysine and asparagine. This variant is not present in population databases (ExAC no frequency). This variant has not been reported in the literature in individuals affected with GMPPB-related conditions. Algorithms developed to predict the effect of missense changes on protein structure and function are either unavailable or do not agree on the potential impact of this missense change (SIFT: "Deleterious"; PolyPhen-2: "Possibly Damaging"; Align-GVGD: "Class C0"). In summary, the available evidence is currently insufficient to determine the role of this variant in disease. Therefore, it has been classified as a Variant of Uncertain Significance.

NM_021971.4(GMPPB):c.510G>C (p.Lys170Asn)

Gene: GMPPB (GDP-mannose pyrophosphorylase B; minus strand). Cytogenetic location: 3p21.31.
Variant type: single nucleotide variant.
Coding change: c.510G>C on transcript NM_021971.4 (MANE Select); coding-DNA position 510, G replaced by C.
Protein change: p.Lys170Asn; replaces lysine 170 with asparagine.
Molecular consequence: missense variant.
Genome position (GRCh38, 1-based): chr3:49,722,647, C>G on the plus strand (G>C on the coding strand, the complement: GMPPB is on the minus strand). VCF-style: chr3-49722647-C-G. GRCh37 (hg19) VCF-style: chr3-49760080-C-G.
Other names: c.510G>C, p.Lys170Asn (NM_013334.4); short protein forms K170N.
Identifiers: ClinVar variation 938924 (VCV000938924.4), dbSNP rs2080435262, ClinGen allele CA352828647.